The following is an entry in ClinVar:

ClinVar aggregate classification (germline): Uncertain significance. Review status: criteria provided, multiple submitters, no conflicts (2 of 4 stars). 3 submissions from 3 submitters: Uncertain significance (3). Last evaluated 2025-07-01.

Conditions:
Inborn genetic diseases. Identifiers: MedGen C0950123, MeSH D030342.
Charcot-Marie-Tooth disease type 2. Also called: Charcot-Marie-Tooth type 2. Identifiers: Orphanet 64746, MedGen C0270914, MONDO:0018993.

Allele frequency attached by ClinVar (database versions not stated): gnomAD exomes 0.00001; TOPMed 0.00001.
gnomAD v4.1: 13 of 1,614,146 alleles (0.00081%); highest among the groups gnomAD compares: South Asian, 0.0022%; no homozygotes.

Submissions (3):

Ambry Genetics
Classification: Uncertain significance for Inborn genetic diseases. Last evaluated: 2025-07-01. Review status: criteria provided, single submitter. Criteria: Ambry Variant Classification Scheme 2023. Collection method: clinical testing. Allele origin: germline.

ARUP Laboratories, Molecular Genetics and Genomics, ARUP Laboratories
Classification: Uncertain significance. Last evaluated: 2025-02-03. Review status: criteria provided, single submitter. Criteria: ARUP Molecular Germline Variant Investigation Process 2024. Collection method: clinical testing. Allele origin: germline.
Comment: The BSCL2 c.1076C>T; p.Thr359Met variant (rs1266361176), to our knowledge, is not reported in the medical literature but is reported in ClinVar (Variation ID: 1051573). This variant is absent from the Genome Aggregation Database (v2.1.1), indicating it is not a common polymorphism. Computational analyses are uncertain whether this variant is neutral or deleterious (REVEL: 0.237). Due to limited information, the clinical significance of this variant is uncertain at this time.

Labcorp Genetics (formerly Invitae), Labcorp
Classification: Uncertain significance for Charcot-Marie-Tooth disease type 2. Last evaluated: 2021-02-24. Review status: criteria provided, single submitter. Criteria: Invitae Variant Classification Sherloc (09022015). Collection method: clinical testing. Allele origin: germline.
Comment: In summary, the available evidence is currently insufficient to determine the role of this variant in disease. Therefore, it has been classified as a Variant of Uncertain Significance. Algorithms developed to predict the effect of missense changes on protein structure and function output the following: SIFT: "Deleterious"; PolyPhen-2: "Benign"; Align-GVGD: "Class C0". The methionine amino acid residue is found in multiple mammalian species, suggesting that this missense change does not adversely affect protein function. These predictions have not been confirmed by published functional studies and their clinical significance is uncertain. This variant has not been reported in the literature in individuals with BSCL2-related conditions. This variant is not present in population databases (ExAC no frequency). This sequence change replaces threonine with methionine at codon 359 of the BSCL2 protein (p.Thr359Met). The threonine residue is moderately conserved and there is a moderate physicochemical difference between threonine and methionine.

NM_001122955.4(BSCL2):c.1268C>T (p.Thr423Met)

Genes: BSCL2 (BSCL2 lipid droplet biogenesis associated, seipin; minus strand), HNRNPUL2-BSCL2 (HNRNPUL2-BSCL2 readthrough (NMD candidate); minus strand). Cytogenetic location: 11q12.3.
Variant type: single nucleotide variant.
Coding change: c.1268C>T on transcript NM_001122955.4 (MANE Select); coding-DNA position 1268, C replaced by T.
Protein change: p.Thr423Met; replaces threonine 423 with methionine.
Molecular consequence: missense variant. On other transcripts: non-coding transcript variant (1), 3 prime UTR variant (1).
Genome position (GRCh38, 1-based): chr11:62,690,488, G>A on the plus strand (C>T on the coding strand, the complement: BSCL2 is on the minus strand). VCF-style: chr11-62690488-G-A. GRCh37 (hg19) VCF-style: chr11-62457960-G-A.
Other names: c.*70C>T (NM_001130702.2); c.1274C>T, p.Thr425Met (NM_001386027.1); c.1268C>T, p.Thr423Met (NM_001386028.1); c.1076C>T, p.Thr359Met (NM_032667.6); short protein forms T359M, T423M, T425M.
Identifiers: ClinVar variation 1051573 (VCV001051573.11), dbSNP rs1266361176, ClinGen allele CA380954825.